The following is an entry in ClinVar:

ClinVar aggregate classification (germline): Pathogenic. Review status: criteria provided, multiple submitters, no conflicts (2 of 4 stars). 7 submissions from 7 submitters: Pathogenic (7). Last evaluated 2025-03-31.

Conditions:
Developmental and epileptic encephalopathy, 42 (DEE42A). Also called: Epileptic encephalopathy, early infantile, 42; DEVELOPMENTAL AND EPILEPTIC ENCEPHALOPATHY 42A; EPILEPTIC ENCEPHALOPATHY, EARLY INFANTILE, 42A. Identifiers: MedGen C4310716, MONDO:0014917, OMIM 617106.
Episodic ataxia type 2 (EA2). Also called: ACETAZOLAMIDE-RESPONSIVE HEREDITARY PAROXYSMAL CEREBELLAR ATAXIA; ATAXIA, EPISODIC, WITH NYSTAGMUS; ATAXIA, FAMILIAL PAROXYSMAL; CEREBELLAR ATAXIA, PAROXYSMAL, ACETAZOLAMIDE-RESPONSIVE; CEREBELLOPATHY, HEREDITARY PAROXYSMAL; EPISODIC ATAXIA, NYSTAGMUS-ASSOCIATED. Identifiers: Orphanet 97, MedGen C1720416, MONDO:0007163, OMIM 108500.
CACNA1A-related disorder. Also called: CACNA1A-related condition.
Inborn genetic diseases. Identifiers: MedGen C0950123, MeSH D030342.

Submissions (7):

Labcorp Genetics (formerly Invitae), Labcorp
Classification: Pathogenic for Developmental and epileptic encephalopathy, 42; Episodic ataxia type 2. Last evaluated: 2025-03-31. Review status: criteria provided, single submitter. Criteria: Invitae Variant Classification Sherloc (09022015). Collection method: clinical testing. Allele origin: germline.
Comment: This sequence change affects a donor splice site in intron 22 of the CACNA1A gene. It is expected to disrupt RNA splicing. Variants that disrupt the donor or acceptor splice site typically lead to a loss of protein function (PMID: 16199547), and loss-of-function variants in CACNA1A are known to be pathogenic (PMID: 10371528, 19486177, 25735478, 27250579). This variant is not present in population databases (gnomAD no frequency). Disruption of this splice site has been observed in individual(s) with a CACNA1A-related condition (PMID: 31618753). In at least one individual the variant was observed to be de novo. ClinVar contains an entry for this variant (Variation ID: 195663). Algorithms developed to predict the effect of sequence changes on RNA splicing suggest that this variant may disrupt the consensus splice site. For these reasons, this variant has been classified as Pathogenic.

Women's Health and Genetics/Laboratory Corporation of America, LabCorp
Classification: Pathogenic for Developmental and epileptic encephalopathy, 42. Last evaluated: 2024-05-28. Review status: criteria provided, single submitter. Criteria: LabCorp Variant Classification Summary - May 2015. Collection method: clinical testing. Allele origin: germline.
Comment: Variant summary: CACNA1A c.3825+1G>A is located in a canonical splice-site and is predicted to affect mRNA splicing resulting in a significantly altered protein due to either exon skipping, shortening, or inclusion of intronic material. Several computational tools predict a significant impact on normal splicing: Four predict the variant abolishes a 5' splicing donor site. However, these predictions have yet to be confirmed by functional studies. The variant was absent in 248766 control chromosomes (gnomAD). c.3825+1G>A has been reported in the literature in at least one individual affected with Epileptic Encephalopathy, Early Infantile, 42 (Ziats_2020) and observed as de novo. These data do not allow any conclusion about variant significance. To our knowledge, no experimental evidence demonstrating an impact on protein function has been reported. The following publication have been ascertained in the context of this evaluation (PMID: 31618753). ClinVar contains an entry for this variant (Variation ID: 195663). Based on the evidence outlined above, the variant was classified as pathogenic.

3billion
Classification: Pathogenic for Developmental and epileptic encephalopathy, 42. Last evaluated: 2023-02-23. Review status: criteria provided, single submitter. Criteria: ACMG Guidelines, 2015. Collection method: clinical testing. Allele origin: unknown. Affected: yes.
Comment: The variant is not observed in the gnomAD v2.1.1 dataset. This variant was predicted to alter splicing and result in a loss or disruption of normal protein function. Multiple pathogenic loss-of-function variants are reported downstream of the variant. The variant has been reported at least twice as pathogenic with clinical assertions and evidence for the classification (ClinVar ID: VCV000195663). Therefore, this variant is classified as Pathogenic according to the recommendation of ACMG/AMP guideline.

Greenwood Genetic Center Diagnostic Laboratories, Greenwood Genetic Center
Classification: Pathogenic for CACNA1A-related disorder. Last evaluated: 2023-01-06. Review status: criteria provided, single submitter. Criteria: ACMG Guidelines, 2015. Collection method: clinical testing. Allele origin: germline. Affected: yes.
Comment: PVS1, PS4_Supporting, PM2, PM6

GeneDx
Classification: Pathogenic. Last evaluated: 2022-04-15. Review status: criteria provided, single submitter. Criteria: GeneDx Variant Classification Process June 2021. Collection method: clinical testing. Allele origin: germline. Affected: yes.
Comment: Canonical splice site variant predicted to result in a null allele in a gene for which loss of function is a known mechanism of disease; Not observed at significant frequency in large population cohorts (gnomAD); This variant is associated with the following publications: (PMID: 31115040, 29926469, 33349592, 27250579, 25735478, 19486177, 16199547, 10371528, 31618753)

Ambry Genetics
Classification: Pathogenic for Inborn genetic diseases. Last evaluated: 2018-02-08. Review status: criteria provided, single submitter. Criteria: Ambry exome assertion method (8-5-2015). Collection method: clinical testing. Allele origin: germline. Affected: yes. Observed: 1 variant allele.

Eurofins Ntd Llc (ga)
Classification: Pathogenic. Last evaluated: 2015-04-24. Review status: criteria provided, single submitter. Criteria: EGL Classification Definitions 2015. Collection method: clinical testing. Allele origin: germline. Observed: 2 variant alleles, 2 heterozygotes.

Literature cited by the submitters: PubMed 16199547 (cited by Labcorp Genetics (formerly Invitae), Labcorp); PubMed 10371528 (cited by Labcorp Genetics (formerly Invitae), Labcorp); PubMed 19486177 (cited by Labcorp Genetics (formerly Invitae), Labcorp); PubMed 25735478 (cited by Labcorp Genetics (formerly Invitae), Labcorp); PubMed 27250579 (cited by Labcorp Genetics (formerly Invitae), Labcorp); PubMed 31618753 (cited by Labcorp Genetics (formerly Invitae), Labcorp and Women's Health and Genetics/Laboratory Corporation of America, LabCorp).

NM_001127222.2(CACNA1A):c.3822+1G>A

Gene: CACNA1A (calcium voltage-gated channel subunit alpha1 A; minus strand). Cytogenetic location: 19p13.13.
Variant type: single nucleotide variant.
Coding change: c.3822+1G>A on transcript NM_001127222.2 (MANE Select); the canonical splice donor site of the intron after coding-DNA position 3822, G replaced by A.
Molecular consequence: splice donor variant.
Genome position (GRCh38, 1-based): chr19:13,283,266, C>T on the plus strand (G>A on the coding strand, the complement: CACNA1A is on the minus strand). VCF-style: chr19-13283266-C-T. GRCh37 (hg19) VCF-style: chr19-13394080-C-T.
Other names: c.3825+1G>A (NM_001127221.2, NM_001174080.2); c.3834+1G>A (NM_000068.4, NM_023035.3).
Identifiers: ClinVar variation 195663 (VCV000195663.17), dbSNP rs794727355, ClinGen allele CA275109.